The following is an entry in ClinVar:

ClinVar aggregate classification (germline): Likely pathogenic. Review status: criteria provided, multiple submitters, no conflicts (2 of 4 stars). 3 submissions from 3 submitters: Likely pathogenic (2). 1 of the submissions does not count toward it. Last evaluated 2025-04-28.

Conditions:
Glutaric acidemia type 2C.
Multiple acyl-CoA dehydrogenase deficiency (MADD). Also called: Glutaric aciduria, type 2; Glutaric acidemia type II; GA 2; Glutaric Acidemia type 2; ETHYLMALONIC-ADIPICACIDURIA; GA II. Identifiers: Orphanet 26791, MedGen C0268596, MONDO:0009282, OMIM 231680.

gnomAD v4.1: 4 of 1,611,342 alleles (0.00025%); highest among the groups gnomAD compares: South Asian, 0.0044%; no homozygotes.

Submissions (3):

Natera, Inc.
Classification: Likely pathogenic for Glutaric acidemia type 2C. Last evaluated: 2025-04-28. Review status: criteria provided, single submitter. Criteria: Natera Variant Classification Schema (03/2026). Collection method: clinical testing. Allele origin: germline.
Comment: The c.1469-1G>T variant in ETFDH is a canonical splice acceptor site variant predicted to affect pre-mRNA splicing, which may result in an abnormal transcript and altered protein product. This variant is expected to result in nonsense mediated decay, truncation, or a dysfunctional protein product. This variant is rare in the general population with a frequency below the threshold expected for the associated phenotype(s). Given the available evidence, this variant is classified as Likely Pathogenic.

Labcorp Genetics (formerly Invitae), Labcorp
Classification: Likely pathogenic for Multiple acyl-CoA dehydrogenase deficiency. Last evaluated: 2024-02-05. Review status: criteria provided, single submitter. Criteria: Invitae Variant Classification Sherloc (09022015). Collection method: clinical testing. Allele origin: germline.
Comment: This sequence change affects an acceptor splice site in intron 11 of the ETFDH gene. It is expected to disrupt RNA splicing. Variants that disrupt the donor or acceptor splice site typically lead to a loss of protein function (PMID: 16199547), and loss-of-function variants in ETFDH are known to be pathogenic (PMID: 16510302, 23785301). This variant is not present in population databases (gnomAD no frequency). This variant has not been reported in the literature in individuals affected with ETFDH-related conditions. ClinVar contains an entry for this variant (Variation ID: 591094). Algorithms developed to predict the effect of sequence changes on RNA splicing suggest that this variant may disrupt the consensus splice site. In summary, the currently available evidence indicates that the variant is pathogenic, but additional data are needed to prove that conclusively. Therefore, this variant has been classified as Likely Pathogenic.

Gharavi Laboratory, Columbia University
Classification: Uncertain significance. Last evaluated: 2018-09-16. Review status: no assertion criteria provided. Criteria: ACMG Guidelines, 2015. Collection method: research. Allele origin: germline. Affected: yes. Not counted in ClinVar's aggregate classification.

Literature cited by the submitters: PubMed 16199547 (cited by Labcorp Genetics (formerly Invitae), Labcorp); PubMed 16510302 (cited by Labcorp Genetics (formerly Invitae), Labcorp); PubMed 23785301 (cited by Labcorp Genetics (formerly Invitae), Labcorp).

NM_004453.4(ETFDH):c.1469-1G>T

Gene: ETFDH (electron transfer flavoprotein dehydrogenase; plus strand). Cytogenetic location: 4q32.1.
Variant type: single nucleotide variant.
Coding change: c.1469-1G>T on transcript NM_004453.4 (MANE Select); the canonical splice acceptor site of the intron before coding-DNA position 1469, G replaced by T.
Molecular consequence: splice acceptor variant.
Genome position (GRCh38, 1-based): chr4:158,706,628, G>T. VCF-style: chr4-158706628-G-T. GRCh37 (hg19) VCF-style: chr4-159627780-G-T.
Other names: c.1328-1G>T (NM_001281737.2); c.1286-1G>T (NM_001281738.1); c.1469-1G>T (NM_004453.3).
Identifiers: ClinVar variation 591094 (VCV000591094.10), dbSNP rs1561251640, ClinGen allele CA358564668.